The following is an entry in ClinVar:

ClinVar aggregate classification (germline): Likely benign (1 of 4 stars; one submission).

gnomAD v4.1: 118 of 1,612,732 alleles (0.0073%); highest among the groups gnomAD compares: Middle Eastern, 0.14%; no homozygotes.

Submission:

CeGaT Center for Human Genetics Tuebingen
Classification: Likely benign. Last evaluated: 2023-03-01. Review status: criteria provided, single submitter. Criteria: CeGaT Center For Human Genetics Tuebingen Variant Classification Criteria Version 2. Collection method: clinical testing. Allele origin: germline. Affected: yes. Observed: 1 variant allele.
Comment: KRTAP10-9: BP4, BP7

NM_198690.3(KRTAP10-9):c.72G>A (p.Glu24=)

Genes: KRTAP10-9 (keratin associated protein 10-9; plus strand), TSPEAR (thrombospondin type laminin G domain and EAR repeats; minus strand). Cytogenetic location: 21q22.3.
Variant type: single nucleotide variant.
Coding change: c.72G>A on transcript NM_198690.3 (MANE Select); coding-DNA position 72, G replaced by A.
Protein change: p.Glu24=; no amino-acid change (glutamic acid 24 retained).
Molecular consequence: synonymous variant. On other transcripts: intron variant (2).
Genome position (GRCh38, 1-based): chr21:44,627,243, G>A. VCF-style: chr21-44627243-G-A. GRCh37 (hg19) VCF-style: chr21-46047160-G-A.
Other names: c.83-59238C>T (NM_144991.3); c.-122-59238C>T (NM_001272037.2).
Identifiers: ClinVar variation 2652772 (VCV002652772.24), dbSNP rs201201187, ClinGen allele CA10060036.
Genomic context (GRCh38, chr21:44,627,243, plus strand): 5'-CACCATGTCCATCCGCTCCAGCGCTTACTCCGACTCCTGGCAGGTGGACGACTGCCCAGA[G>A]AGCTGCTGTGAGCCCCCCTGCTGCGCCACCAGCTGCTGCGCCCCGGCCCCCTGCCTGACC-3'
Protein context (NP_941963.2, residues 14-34): SDSWQVDDCP[Glu24=]SCCEPPCCAT